The following is an entry in ClinVar:

ClinVar aggregate classification (germline): Uncertain significance (1 of 4 stars; one submission).

Submission:

Labcorp Genetics (formerly Invitae), Labcorp
Classification: Uncertain significance. Last evaluated: 2024-02-12. Review status: criteria provided, single submitter. Criteria: Invitae Variant Classification Sherloc (09022015). Collection method: clinical testing. Allele origin: germline.
Comment: This sequence change replaces proline, which is neutral and non-polar, with arginine, which is basic and polar, at codon 463 of the PPP3CA protein (p.Pro463Arg). This variant is not present in population databases (gnomAD no frequency). This variant has not been reported in the literature in individuals affected with PPP3CA-related conditions. An algorithm developed to predict the effect of missense changes on protein structure and function (PolyPhen-2) suggests that this variant is likely to be disruptive. In summary, the available evidence is currently insufficient to determine the role of this variant in disease. Therefore, it has been classified as a Variant of Uncertain Significance.

NM_000944.5(PPP3CA):c.1388C>G (p.Pro463Arg)

Gene: PPP3CA (protein phosphatase 3 catalytic subunit alpha; minus strand). Cytogenetic location: 4q24.
Variant type: single nucleotide variant.
Coding change: c.1388C>G on transcript NM_000944.5 (MANE Select); coding-DNA position 1388, C replaced by G.
Protein change: p.Pro463Arg; replaces proline 463 with arginine.
Molecular consequence: missense variant.
Genome position (GRCh38, 1-based): chr4:101,026,043, G>C on the plus strand (C>G on the coding strand, the complement: PPP3CA is on the minus strand). VCF-style: chr4-101026043-G-C. GRCh37 (hg19) VCF-style: chr4-101947200-G-C.
Other names: c.1358C>G, p.Pro453Arg (NM_001130691.2); c.1232C>G, p.Pro411Arg (NM_001130692.2); short protein forms P411R, P453R, P463R.
Identifiers: ClinVar variation 2762614 (VCV002762614.3), dbSNP rs2476197555, ClinGen allele CA357947811.